The following is an entry in ClinVar:

NM_015338.6(ASXL1):c.2000A>T (p.Asp667Val)

Gene: ASXL1 (ASXL transcriptional regulator 1; plus strand). Cytogenetic location: 20q11.21.
Variant type: single nucleotide variant.
Coding change: c.2000A>T on transcript NM_015338.6 (MANE Select); coding-DNA position 2000, A replaced by T.
Protein change: p.Asp667Val; replaces aspartic acid 667 with valine.
Molecular consequence: missense variant.
Genome position (GRCh38, 1-based): chr20:32,434,712, A>T. VCF-style: chr20-32434712-A-T. GRCh37 (hg19) VCF-style: chr20-31022515-A-T.
Other names: c.1817A>T, p.Asp606Val (NM_001363734.1); short protein forms D606V, D667V.
Identifiers: ClinVar variation 1991655 (VCV001991655.4), dbSNP rs2145360493, ClinGen allele CA408558347.

ClinVar aggregate classification (germline): Uncertain significance (1 of 4 stars; one submission).

gnomAD v4.1: 1 of 1,610,016 alleles (0.000062%); no homozygotes.

Submission:

Labcorp Genetics (formerly Invitae), Labcorp
Classification: Uncertain significance. Last evaluated: 2022-03-26. Review status: criteria provided, single submitter. Criteria: Invitae Variant Classification Sherloc (09022015). Collection method: clinical testing. Allele origin: germline.
Comment: In summary, the available evidence is currently insufficient to determine the role of this variant in disease. Therefore, it has been classified as a Variant of Uncertain Significance. Algorithms developed to predict the effect of missense changes on protein structure and function are either unavailable or do not agree on the potential impact of this missense change (SIFT: "Tolerated"; PolyPhen-2: "Possibly Damaging"; Align-GVGD: "Class C0"). This variant has not been reported in the literature in individuals affected with ASXL1-related conditions. This variant is not present in population databases (gnomAD no frequency). This sequence change replaces aspartic acid, which is acidic and polar, with valine, which is neutral and non-polar, at codon 667 of the ASXL1 protein (p.Asp667Val).